The following is an entry in ClinVar:

NM_005120.3(MED12):c.1814G>A (p.Arg605Gln)

Gene: MED12 (mediator complex subunit 12; plus strand). Cytogenetic location: Xq13.1.
Variant type: single nucleotide variant.
Coding change: c.1814G>A on transcript NM_005120.3 (MANE Select); coding-DNA position 1814, G replaced by A.
Protein change: p.Arg605Gln; replaces arginine 605 with glutamine.
Molecular consequence: missense variant.
Genome position (GRCh38, 1-based): chrX:71,124,228, G>A. VCF-style: chrX-71124228-G-A. GRCh37 (hg19) VCF-style: chrX-70344078-G-A.
Other names: short protein forms R605Q.
Identifiers: ClinVar variation 1442209 (VCV001442209.8), dbSNP rs1275427306, ClinGen allele CA413509249.
Genomic context (GRCh38, chrX:71,124,228, plus strand): 5'-GAAGTGAGAGTGAGCGGGTGGAATTCTTTAACTTAGTACTGCTGTTCTGTGAACTGATTC[G>A]ACATGATGTTTTCTCCCACAACATGTATACTTGCACTCTCATCTCCCGAGGGGACCTTGC-3'
Protein context (NP_005111.2, residues 595-615): NLVLLFCELI[Arg605Gln]HDVFSHNMYT

ClinVar aggregate classification (germline): Uncertain significance (1 of 4 stars; one submission).

Conditions:
FG syndrome (FGS). Identifiers: MedGen C0220769, MONDO:0002010.

Allele frequency attached by ClinVar (database versions not stated): gnomAD 0.00001; TOPMed 0.00001.
gnomAD v4.1: 1 of 1,209,387 alleles (0.000083%); highest among the groups gnomAD compares: Non-Finnish European, 0.00011%; no homozygotes.

Submission:

Labcorp Genetics (formerly Invitae), Labcorp
Classification: Uncertain significance for FG syndrome. Last evaluated: 2021-05-21. Review status: criteria provided, single submitter. Criteria: Invitae Variant Classification Sherloc (09022015). Collection method: clinical testing. Allele origin: germline.
Comment: This sequence change replaces arginine with glutamine at codon 605 of the MED12 protein (p.Arg605Gln). The arginine residue is highly conserved and there is a small physicochemical difference between arginine and glutamine. This variant is not present in population databases (ExAC no frequency). This variant has not been reported in the literature in individuals with MED12-related conditions. Advanced modeling of protein sequence and biophysical properties (such as structural, functional, and spatial information, amino acid conservation, physicochemical variation, residue mobility, and thermodynamic stability) performed at Invitae indicates that this missense variant is expected to disrupt MED12 protein function. In summary, the available evidence is currently insufficient to determine the role of this variant in disease. Therefore, it has been classified as a Variant of Uncertain Significance.